The following is an entry in ClinVar:

NM_018417.6(ADCY10):c.1394G>A (p.Arg465His)

Genes: ADCY10 (adenylate cyclase 10; minus strand), DCAF6 (DDB1 and CUL4 associated factor 6; plus strand). Cytogenetic location: 1q24.2.
Variant type: single nucleotide variant.
Coding change: c.1394G>A on transcript NM_018417.6 (MANE Select); coding-DNA position 1394, G replaced by A.
Protein change: p.Arg465His; replaces arginine 465 with histidine.
Molecular consequence: missense variant.
Genome position (GRCh38, 1-based): chr1:167,878,458, C>T on the plus strand (G>A on the coding strand, the complement: ADCY10 is on the minus strand). VCF-style: chr1-167878458-C-T. GRCh37 (hg19) VCF-style: chr1-167847696-C-T.
Other names: c.1394G>A (NM_018417.4); c.935G>A, p.Arg312His (NM_001167749.3); c.1118G>A, p.Arg373His (NM_001297772.2); short protein forms R312H, R373H, R465H.
Identifiers: ClinVar variation 791821 (VCV000791821.12), dbSNP rs77875361, ClinGen allele CA1227967.
Genomic context (GRCh38, chr1:167,878,458, plus strand): 5'-CCCGCTTCTTTACTAAAATATACTTCAAAATTAATGCTCCACACTCACACTTTCTCAGTA[C>T]GGCCCCAATACTGATACAATGGTCCAGAATCTGCAACACCTTTCATAACTTTCTTTGGAA-3'
Protein context (NP_060887.2, residues 455-475): DSGPLYQYWG[Arg465His]TEKVMFGMAC

ClinVar aggregate classification (germline): Conflicting classifications of pathogenicity. Review status: criteria provided, conflicting classifications (1 of 4 stars). 4 submissions from 4 submitters: Uncertain significance (1); Benign (2). 1 of the submissions does not count toward it. Last evaluated 2025-12-23.

Conditions:
ADCY10-related disorder. Also called: ADCY10-related condition.

Allele frequency attached by ClinVar (database versions not stated): ExAC 0.00083; ESP Exome Variant Server 0.00238; gnomAD 0.00252 and 0.00260; TOPMed 0.00271; 1000 Genomes Project 0.00339; 1000 Genomes Project 30x 0.00359.
gnomAD v4.1: 749 of 1,613,864 alleles (0.046%); highest among the groups gnomAD compares: African/African-American, 0.86%; 4 homozygotes.

Submissions (4):

Labcorp Genetics (formerly Invitae), Labcorp
Classification: Benign. Last evaluated: 2025-12-23. Review status: criteria provided, single submitter. Criteria: Invitae Variant Classification Sherloc (09022015). Collection method: clinical testing. Allele origin: germline.

Ambry Genetics
Classification: Uncertain significance. Last evaluated: 2025-08-21. Review status: criteria provided, single submitter. Criteria: Ambry Variant Classification Scheme 2023. Collection method: clinical testing. Allele origin: germline.

Breakthrough Genomics
Classification: Benign. Review status: criteria provided, single submitter. Criteria: ACMG Guidelines, 2015. Collection method: not provided. Allele origin: germline. Inheritance: Autosomal dominant inheritance. Affected: yes.

PreventionGenetics, part of Exact Sciences
Classification: Benign for ADCY10-related condition. Last evaluated: 2019-04-02. Review status: no assertion criteria provided. Collection method: clinical testing. Allele origin: germline. Not counted in ClinVar's aggregate classification.
Comment: This variant is classified as benign based on ACMG/AMP sequence variant interpretation guidelines (Richards et al. 2015 PMID: 25741868, with internal and published modifications).